The following is an entry in ClinVar:

ClinVar aggregate classification (germline): Uncertain significance. Review status: criteria provided, multiple submitters, no conflicts (2 of 4 stars). 2 submissions from 2 submitters: Uncertain significance (2). Last evaluated 2025-07-14.

Conditions:
Neuropathy, hereditary sensory and autonomic, type 2B (HSAN2B). Also called: RETREG1-Related HSAN2 (HSAN2B). Identifiers: Orphanet 970, MedGen C2751092, MONDO:0013142, OMIM 613115.

Allele frequency attached by ClinVar (database versions not stated): gnomAD 0.00002 and 0.00003; ESP Exome Variant Server 0.00008; 1000 Genomes Project 30x 0.00016; 1000 Genomes Project 0.00020.
gnomAD v4.1: 70 of 1,603,190 alleles (0.0044%); highest among the groups gnomAD compares: Admixed American, 0.01%; no homozygotes.

Submissions (2):

Labcorp Genetics (formerly Invitae), Labcorp
Classification: Uncertain significance. Last evaluated: 2025-07-14. Review status: criteria provided, single submitter. Criteria: Invitae Variant Classification Sherloc (09022015). Collection method: clinical testing. Allele origin: germline.
Comment: This sequence change replaces tryptophan, which is neutral and slightly polar, with cysteine, which is neutral and slightly polar, at codon 107 of the RETREG1 protein (p.Trp107Cys). This variant is present in population databases (rs200065908, gnomAD 0.01%). This variant has not been reported in the literature in individuals affected with RETREG1-related conditions. ClinVar contains an entry for this variant (Variation ID: 1413232). An algorithm developed to predict the effect of missense changes on protein structure and function (PolyPhen-2) suggests that this variant is likely to be disruptive. In summary, the available evidence is currently insufficient to determine the role of this variant in disease. Therefore, it has been classified as a Variant of Uncertain Significance.

Mayo Clinic Laboratories, Mayo Clinic
Classification: Uncertain significance. Last evaluated: 2024-09-06. Review status: criteria provided, single submitter. Criteria: ACMG Guidelines, 2015. Collection method: clinical testing. Allele origin: germline. Observed: 1 variant allele.
Comment: PM2_supporting

NM_001034850.3(RETREG1):c.321G>T (p.Trp107Cys)

Gene: RETREG1 (reticulophagy regulator 1; minus strand). Cytogenetic location: 5p15.1.
Variant type: single nucleotide variant.
Coding change: c.321G>T on transcript NM_001034850.3 (MANE Select); coding-DNA position 321, G replaced by T.
Protein change: p.Trp107Cys; replaces tryptophan 107 with cysteine.
Molecular consequence: missense variant.
Genome position (GRCh38, 1-based): chr5:16,572,102, C>A on the plus strand (G>T on the coding strand, the complement: RETREG1 is on the minus strand). VCF-style: chr5-16572102-C-A. GRCh37 (hg19) VCF-style: chr5-16572211-C-A.
Other names: p.Trp107Cys; c.321G>T (NM_001034850.2); short protein forms W107C.
Identifiers: ClinVar variation 1413232 (VCV001413232.6), dbSNP rs200065908, ClinGen allele CA3210501.